The following is an entry in ClinVar:

NM_020884.7(MYH7B):c.87G>A (p.Trp29Ter)

Gene: MYH7B (myosin heavy chain 7B; plus strand). Cytogenetic location: 20q11.22.
Variant type: single nucleotide variant.
Coding change: c.87G>A on transcript NM_020884.7 (MANE Select); coding-DNA position 87, G replaced by A.
Protein change: p.Trp29Ter; replaces tryptophan 29 with a stop codon.
Molecular consequence: nonsense.
Genome position (GRCh38, 1-based): chr20:34,978,092, G>A. VCF-style: chr20-34978092-G-A. GRCh37 (hg19) VCF-style: chr20-33565895-G-A.
Other names: short protein forms W29*.
Identifiers: ClinVar variation 2966780 (VCV002966780.3), dbSNP rs370258432, ClinGen allele CA9826288.

ClinVar aggregate classification (germline): Uncertain significance (1 of 4 stars; one submission).

Allele frequency attached by ClinVar (database versions not stated): ExAC 0.00002; gnomAD 0.00002; gnomAD exomes 0.00002; TOPMed 0.00003; ESP Exome Variant Server 0.00008.
gnomAD v4.1: 34 of 1,613,884 alleles (0.0021%); highest among the groups gnomAD compares: Middle Eastern, 0.049%; no homozygotes.

Submission:

Labcorp Genetics (formerly Invitae), Labcorp
Classification: Uncertain significance. Last evaluated: 2024-01-29. Review status: criteria provided, single submitter. Criteria: Invitae Variant Classification Sherloc (09022015). Collection method: clinical testing. Allele origin: germline.
Comment: This sequence change creates a premature translational stop signal (p.Trp71*) in the MYH7B gene. It is expected to result in an absent or disrupted protein product. However, the current clinical and genetic evidence is not sufficient to establish whether loss-of-function variants in MYH7B cause disease. This variant is present in population databases (rs370258432, gnomAD 0.004%). This variant has not been reported in the literature in individuals affected with MYH7B-related conditions. In summary, the available evidence is currently insufficient to determine the role of this variant in disease. Therefore, it has been classified as a Variant of Uncertain Significance.